The following is an entry in ClinVar:

NM_001982.4(ERBB3):c.1330C>T (p.Arg444Ter)

Gene: ERBB3 (erb-b2 receptor tyrosine kinase 3; plus strand). Cytogenetic location: 12q13.2.
Variant type: single nucleotide variant.
Coding change: c.1330C>T on transcript NM_001982.4 (MANE Select); coding-DNA position 1330, C replaced by T.
Protein change: p.Arg444Ter; replaces arginine 444 with a stop codon.
Molecular consequence: nonsense.
Genome position (GRCh38, 1-based): chr12:56,093,400, C>T. VCF-style: chr12-56093400-C-T. GRCh37 (hg19) VCF-style: chr12-56487184-C-T.
Other names: short protein forms R444*.
Identifiers: ClinVar variation 2628640 (VCV002628640.1), dbSNP rs771935902, ClinGen allele CA6622258.

ClinVar aggregate classification (germline): Likely pathogenic (1 of 4 stars; one submission).

Conditions:
ERBB3-related disorder. Also called: ERBB3-related condition.

Allele frequency attached by ClinVar (database versions not stated): gnomAD 0.00001; gnomAD exomes 0.00001; TOPMed 0.00001; ExAC 0.00002.
gnomAD v4.1: 18 of 1,613,912 alleles (0.0011%); highest among the groups gnomAD compares: South Asian, 0.0066%; no homozygotes.

Submission:

PreventionGenetics, part of Exact Sciences
Classification: Likely pathogenic for ERBB3-related condition. Last evaluated: 2023-08-09. Review status: criteria provided, single submitter. Criteria: ACMG Guidelines, 2015. Collection method: clinical testing. Allele origin: germline.
Comment: The ERBB3 c.1330C>T variant is predicted to result in premature protein termination (p.Arg444*). To our knowledge, this variant has not been reported in the literature. This variant is reported in 0.0065% of alleles in individuals of South Asian descent in gnomAD. Nonsense variants in ERBB3 are expected to be pathogenic. This variant is interpreted as likely pathogenic.